The following is an entry in ClinVar:

NM_004247.4(EFTUD2):c.1888del (p.Leu630fs)

Gene: EFTUD2 (elongation factor Tu GTP binding domain containing 2; minus strand). Cytogenetic location: 17q21.31.
Variant type: Deletion.
Coding change: c.1888del on transcript NM_004247.4 (MANE Select); coding-DNA position 1888, one base deleted (C; older notation c.1888delC).
Protein change: p.Leu630fs; shifts the reading frame from leucine 630.
Molecular consequence: frameshift variant.
Genome position (GRCh38, 1-based): chr17:44,859,154, G deleted on the plus strand (C on the coding strand, the reverse complement: EFTUD2 is on the minus strand); the first of 2 consecutive G bases (chr17:44,859,154-44,859,155); deleting either gives the same sequence. VCF-style (leftmost placement, unchanged base first): chr17-44859153-AG-A. GRCh37 (hg19) VCF-style: chr17-42936521-AG-A.
Other names: c.1783del, p.Leu595fs (NM_001142605.2); c.1888del, p.Leu630fs (NM_001258353.2); c.1858del, p.Leu620fs (NM_001258354.2); short protein forms L595fs, L620fs, L630fs.
Identifiers: ClinVar variation 2002395 (VCV002002395.4), dbSNP rs2508747683, ClinGen allele CA2580093904.
Genomic context (GRCh38, chr17:44,859,153, plus strand): 5'-TCTGAGTACATCTTCCGCAAATCATGCATCACACAGTCCAGGTAGAGCTCCCCAGTGCCC[AG>A]GATCACATGCTCGCCAGACTCCTCCACCTGAAACACAACAGGCAGTCACAGCCTGGATTC-3'

ClinVar aggregate classification (germline): Pathogenic (1 of 4 stars; one submission).

Submission:

Labcorp Genetics (formerly Invitae), Labcorp
Classification: Pathogenic. Last evaluated: 2022-10-17. Review status: criteria provided, single submitter. Criteria: Invitae Variant Classification Sherloc (09022015). Collection method: clinical testing. Allele origin: germline.
Comment: This variant has not been reported in the literature in individuals affected with EFTUD2-related conditions. For these reasons, this variant has been classified as Pathogenic. This variant is not present in population databases (gnomAD no frequency). This sequence change creates a premature translational stop signal (p.Leu630Trpfs*11) in the EFTUD2 gene. It is expected to result in an absent or disrupted protein product. Loss-of-function variants in EFTUD2 are known to be pathogenic (PMID: 24999515, 26507355).

Literature cited by the submitters: PubMed 24999515; PubMed 26507355.